The following is an entry in ClinVar:

ClinVar aggregate classification (germline): Uncertain significance. Review status: criteria provided, multiple submitters, no conflicts (2 of 4 stars). 2 submissions from 2 submitters: Uncertain significance (2). Last evaluated 2024-05-11.

Conditions:
Cardiovascular phenotype. Identifiers: MedGen CN230736.
Ehlers-Danlos syndrome, kyphoscoliotic type, 2. Also called: Ehlers-Danlos syndrome with progressive kyphoscoliosis, myopathy, and hearing loss; FKBP14-Kyphoscoliotic Ehlers-Danlos Syndrome; Ehlers-Danlos syndrome, kyphoscoliotic and deafness type. Identifiers: Orphanet 300179, MedGen C3281160, MONDO:0013800, OMIM 614557.

Allele frequency attached by ClinVar (database versions not stated): ExAC 0.00001; gnomAD 0.00002; gnomAD exomes 0.00002 and 0.00003; TOPMed 0.00003; ESP Exome Variant Server 0.00015.
gnomAD v4.1: 54 of 1,614,016 alleles (0.0033%); highest among the groups gnomAD compares: Non-Finnish European, 0.0043%; no homozygotes.

Submissions (2):

Ambry Genetics
Classification: Uncertain significance for Cardiovascular phenotype. Last evaluated: 2024-05-11. Review status: criteria provided, single submitter. Criteria: Ambry Variant Classification Scheme 2023. Collection method: clinical testing. Allele origin: germline.
Comment: The p.P25R variant (also known as c.74C>G), located in coding exon 1 of the FKBP14 gene, results from a C to G substitution at nucleotide position 74. The proline at codon 25 is replaced by arginine, an amino acid with dissimilar properties. This amino acid position is conserved. In addition, the in silico prediction for this alteration is inconclusive. Based on the available evidence, the clinical significance of this variant remains unclear.

Labcorp Genetics (formerly Invitae), Labcorp
Classification: Uncertain significance for Ehlers-Danlos syndrome, kyphoscoliotic type, 2. Last evaluated: 2022-07-06. Review status: criteria provided, single submitter. Criteria: Invitae Variant Classification Sherloc (09022015). Collection method: clinical testing. Allele origin: germline.
Comment: This sequence change replaces proline, which is neutral and non-polar, with arginine, which is basic and polar, at codon 25 of the FKBP14 protein (p.Pro25Arg). This variant is present in population databases (rs142423230, gnomAD 0.003%). This variant has not been reported in the literature in individuals affected with FKBP14-related conditions. ClinVar contains an entry for this variant (Variation ID: 1507089). Algorithms developed to predict the effect of missense changes on protein structure and function are either unavailable or do not agree on the potential impact of this missense change (SIFT: "Tolerated"; PolyPhen-2: "Possibly Damaging"; Align-GVGD: "Class C15"). In summary, the available evidence is currently insufficient to determine the role of this variant in disease. Therefore, it has been classified as a Variant of Uncertain Significance.

NM_017946.4(FKBP14):c.74C>G (p.Pro25Arg)

Genes: FKBP14 (FKBP prolyl isomerase 14; minus strand), FKBP14-AS1 (FKBP14 antisense RNA 1; plus strand). Cytogenetic location: 7p14.3.
Variant type: single nucleotide variant.
Coding change: c.74C>G on transcript NM_017946.4 (MANE Select); coding-DNA position 74, C replaced by G.
Protein change: p.Pro25Arg; replaces proline 25 with arginine.
Molecular consequence: missense variant. On other transcripts: non-coding transcript variant (2).
Genome position (GRCh38, 1-based): chr7:30,026,435, G>C on the plus strand (C>G on the coding strand, the complement: FKBP14 is on the minus strand). VCF-style: chr7-30026435-G-C. GRCh37 (hg19) VCF-style: chr7-30066051-G-C.
Other names: c.74C>G (NM_017946.2); short protein forms P25R.
Identifiers: ClinVar variation 1507089 (VCV001507089.4), dbSNP rs142423230, ClinGen allele CA4203511.